The following is an entry in ClinVar:

ClinVar aggregate classification (germline): Conflicting classifications of pathogenicity. Review status: criteria provided, conflicting classifications (1 of 4 stars). 5 submissions from 5 submitters: Uncertain significance (3); Likely benign (2). Last evaluated 2026-04-14.

Conditions:
Familial intrahepatic cholestasis. Identifiers: Orphanet 284385, MedGen CN296401, MONDO:0017290.
Progressive familial intrahepatic cholestasis type 2. Identifiers: Orphanet 79304, MedGen C3489789, MONDO:0011156, OMIM 601847.

Allele frequency attached by ClinVar (database versions not stated): gnomAD below 0.00001 and 0.00001; gnomAD exomes 0.00003 and 0.00007; ExAC 0.00016.
gnomAD v4.1: 50 of 1,469,460 alleles (0.0034%); highest among the groups gnomAD compares: South Asian, 0.061%; no homozygotes.

Submissions (5):

Genomenon, Inc
Classification: Uncertain significance for Familial intrahepatic cholestasis. Last evaluated: 2026-04-14. Review status: criteria provided, single submitter. Criteria: Genomenon Sequence Variant Interpretation Standards - Updated. Collection method: curation. Allele origin: germline. Affected: yes.
Comment: ABCB11 c.477+8G>T is an intronic variant located in intron 6. This variant has been observed in at least one proband with an ABCB11-related disorder (PMID:39143102). In conclusion, we classify ABCB11 c.477+8G>T as a variant of uncertain significance.

Labcorp Genetics (formerly Invitae), Labcorp
Classification: Likely benign. Last evaluated: 2026-01-20. Review status: criteria provided, single submitter. Criteria: Invitae Variant Classification Sherloc (09022015). Collection method: clinical testing. Allele origin: germline.

Blueprint Genetics
Classification: Likely benign. Last evaluated: 2024-08-07. Review status: criteria provided, single submitter. Criteria: ACMG Guidelines, 2015. Collection method: clinical testing. Allele origin: germline.

Eurofins Ntd Llc (ga)
Classification: Uncertain significance. Last evaluated: 2018-01-29. Review status: criteria provided, single submitter. Criteria: EGL Classification Definitions 2015. Collection method: clinical testing. Allele origin: germline. Observed: 2 variant alleles, 2 heterozygotes.

Illumina Laboratory Services, Illumina
Classification: Uncertain significance for Progressive familial intrahepatic cholestasis type 2. Last evaluated: 2018-01-13. Review status: criteria provided, single submitter. Criteria: ICSL Variant Classification Criteria 13 December 2019. Collection method: clinical testing. Allele origin: germline.

Literature cited by the submitters: PubMed 39143102 (cited by Genomenon, Inc).

NM_003742.4(ABCB11):c.477+8G>T

Gene: ABCB11 (ATP binding cassette subfamily B member 11; minus strand). Cytogenetic location: 2q31.1.
Variant type: single nucleotide variant.
Coding change: c.477+8G>T on transcript NM_003742.4 (MANE Select); 8 bases into the intron after coding-DNA position 477, G replaced by T.
Molecular consequence: intron variant.
Genome position (GRCh38, 1-based): chr2:168,996,627, C>A on the plus strand (G>T on the coding strand, the complement: ABCB11 is on the minus strand). VCF-style: chr2-168996627-C-A. GRCh37 (hg19) VCF-style: chr2-169853137-C-A.
Other names: c.477+8G>T (LRG_1199t1).
Identifiers: ClinVar variation 497802 (VCV000497802.20), dbSNP rs745477056, ClinGen allele CA1951883.